The following is an entry in ClinVar:

ClinVar aggregate classification (germline): Uncertain significance. Review status: criteria provided, multiple submitters, no conflicts (2 of 4 stars). 3 submissions from 3 submitters: Uncertain significance (2). 1 of the submissions does not count toward it. Last evaluated 2022-07-19.

Conditions:
Cardiomyopathy (CMYO). Also called: Cardiomyopathies. Identifiers: Orphanet 167848, MedGen C0878544, MONDO:0004994, HP:0001638. Inheritance: Various modes of inheritance.
Becker muscular dystrophy (BMD). Also called: MUSCULAR DYSTROPHY, PSEUDOHYPERTROPHIC PROGRESSIVE, BECKER TYPE; Becker Muscular Dystrophy (BMD). Identifiers: Orphanet 98895, MedGen C0917713, MONDO:0010311, OMIM 300376.
Duchenne muscular dystrophy (DMD). Also called: Duchenne Muscular Dystrophy (DMD); MUSCULAR DYSTROPHY, PSEUDOHYPERTROPHIC PROGRESSIVE, DUCHENNE TYPE. Identifiers: Orphanet 98896, MedGen C0013264, MONDO:0010679, OMIM 310200.
Dystrophin deficiency.

Allele frequency attached by ClinVar (database versions not stated): TOPMed 0.00001.
gnomAD v4.1: 11 of 1,209,652 alleles (0.00091%); highest among the groups gnomAD compares: Non-Finnish European, 0.0011%; no homozygotes.

Submissions (3):

Labcorp Genetics (formerly Invitae), Labcorp
Classification: Uncertain significance for Duchenne muscular dystrophy. Last evaluated: 2022-07-19. Review status: criteria provided, single submitter. Criteria: Invitae Variant Classification Sherloc (09022015). Collection method: clinical testing. Allele origin: germline.
Comment: In summary, the available evidence is currently insufficient to determine the role of this variant in disease. Therefore, it has been classified as a Variant of Uncertain Significance. Algorithms developed to predict the effect of missense changes on protein structure and function (SIFT, PolyPhen-2, Align-GVGD) all suggest that this variant is likely to be tolerated. ClinVar contains an entry for this variant (Variation ID: 285325). This variant has not been reported in the literature in individuals affected with DMD-related conditions. This variant is not present in population databases (gnomAD no frequency). This sequence change replaces glutamic acid, which is acidic and polar, with aspartic acid, which is acidic and polar, at codon 1925 of the DMD protein (p.Glu1925Asp).

Eurofins Ntd Llc (ga)
Classification: Uncertain significance. Last evaluated: 2016-02-23. Review status: criteria provided, single submitter. Criteria: EGL Classification Definitions 2015. Collection method: clinical testing. Allele origin: germline. Observed: 1 variant allele, 1 heterozygote.

Natera, Inc.
Classification: Uncertain significance for Becker muscular dystrophy; Cardiomyopathy; Duchenne muscular dystrophy; Dystrophin deficiency. Last evaluated: 2020-05-05. Review status: no assertion criteria provided. Collection method: clinical testing. Allele origin: germline. Not counted in ClinVar's aggregate classification.

NM_004006.3(DMD):c.5775G>T (p.Glu1925Asp)

Gene: DMD (dystrophin; minus strand). Cytogenetic location: Xp21.1.
Variant type: single nucleotide variant.
Coding change: c.5775G>T on transcript NM_004006.3 (MANE Select); coding-DNA position 5775, G replaced by T.
Protein change: p.Glu1925Asp; replaces glutamic acid 1925 with aspartic acid.
Molecular consequence: missense variant.
Genome position (GRCh38, 1-based): chrX:32,342,247, C>A on the plus strand (G>T on the coding strand, the complement: DMD is on the minus strand). VCF-style: chrX-32342247-C-A. GRCh37 (hg19) VCF-style: chrX-32360364-C-A.
Other names: c.5751G>T, p.Glu1917Asp (NM_000109.4); c.5763G>T, p.Glu1921Asp (NM_004009.3); c.5406G>T, p.Glu1802Asp (NM_004010.3); c.1752G>T, p.Glu584Asp (NM_004011.4); c.1743G>T, p.Glu581Asp (NM_004012.4); short protein forms E1925D, E581D, E1802D, E584D, E1921D, E1917D.
Identifiers: ClinVar variation 285325 (VCV000285325.14), dbSNP rs1800272, ClinGen allele CA10605079.